The following is an entry in ClinVar:

ClinVar aggregate classification (germline): Uncertain significance (1 of 4 stars; one submission).

Submission:

Labcorp Genetics (formerly Invitae), Labcorp
Classification: Uncertain significance. Last evaluated: 2022-03-18. Review status: criteria provided, single submitter. Criteria: Invitae Variant Classification Sherloc (09022015). Collection method: clinical testing. Allele origin: germline.
Comment: Algorithms developed to predict the effect of missense changes on protein structure and function (SIFT, PolyPhen-2, Align-GVGD) all suggest that this variant is likely to be tolerated. In summary, the available evidence is currently insufficient to determine the role of this variant in disease. Therefore, it has been classified as a Variant of Uncertain Significance. This variant is not present in population databases (gnomAD no frequency). This variant has not been reported in the literature in individuals affected with NKX3-2-related conditions. This sequence change replaces glycine, which is neutral and non-polar, with aspartic acid, which is acidic and polar, at codon 61 of the NKX3-2 protein (p.Gly61Asp).

NM_001189.4(NKX3-2):c.182G>A (p.Gly61Asp)

Gene: NKX3-2 (NK3 homeobox 2; minus strand). Cytogenetic location: 4p15.33.
Variant type: single nucleotide variant.
Coding change: c.182G>A on transcript NM_001189.4 (MANE Select); coding-DNA position 182, G replaced by A.
Protein change: p.Gly61Asp; replaces glycine 61 with aspartic acid.
Molecular consequence: missense variant.
Genome position (GRCh38, 1-based): chr4:13,544,233, C>T on the plus strand (G>A on the coding strand, the complement: NKX3-2 is on the minus strand). VCF-style: chr4-13544233-C-T. GRCh37 (hg19) VCF-style: chr4-13545857-C-T.
Other names: short protein forms G61D.
Identifiers: ClinVar variation 2113404 (VCV002113404.4), dbSNP rs1014676690, ClinGen allele CA356377868.